The following is an entry in ClinVar:

ClinVar aggregate classification (germline): Uncertain significance (1 of 4 stars; one submission).

Allele frequency attached by ClinVar (database versions not stated): ExAC 0.00001; gnomAD exomes 0.00001; gnomAD 0.00002; TOPMed 0.00004; 1000 Genomes Project 0.00020; 1000 Genomes Project 30x 0.00031.

Submission:

Ambry Genetics
Classification: Uncertain significance. Last evaluated: 2024-11-26. Review status: criteria provided, single submitter. Criteria: Ambry Variant Classification Scheme 2023. Collection method: clinical testing. Allele origin: germline.
Comment: The p.M1218V variant (also known as c.3652A>G), located in coding exon 13 of the CDK12 gene, results from an A to G substitution at nucleotide position 3652. The methionine at codon 1218 is replaced by valine, an amino acid with highly similar properties. This amino acid position is conserved. In addition, this alteration is predicted to be tolerated by in silico analysis. Based on the available evidence, the clinical significance of this variant remains unclear.

NM_016507.4(CDK12):c.3652A>G (p.Met1218Val)

Gene: CDK12 (cyclin dependent kinase 12; plus strand). Cytogenetic location: 17q12.
Variant type: single nucleotide variant.
Coding change: c.3652A>G on transcript NM_016507.4 (MANE Select); coding-DNA position 3652, A replaced by G.
Protein change: p.Met1218Val; replaces methionine 1218 with valine.
Molecular consequence: missense variant.
Genome position (GRCh38, 1-based): chr17:39,526,208, A>G. VCF-style: chr17-39526208-A-G. GRCh37 (hg19) VCF-style: chr17-37682461-A-G.
Other names: c.3652A>G, p.Met1218Val (NM_015083.4); short protein forms M1218V.
Identifiers: ClinVar variation 3141476 (VCV003141476.2), dbSNP rs186741659, ClinGen allele CA8531562.